The following is an entry in ClinVar:

NM_002221.4(ITPKB):c.1244C>A (p.Pro415His)

Gene: ITPKB (inositol-trisphosphate 3-kinase B; minus strand). Cytogenetic location: 1q42.12.
Variant type: single nucleotide variant.
Coding change: c.1244C>A on transcript NM_002221.4 (MANE Select); coding-DNA position 1244, C replaced by A.
Protein change: p.Pro415His; replaces proline 415 with histidine.
Molecular consequence: missense variant.
Genome position (GRCh38, 1-based): chr1:226,736,215, G>T on the plus strand (C>A on the coding strand, the complement: ITPKB is on the minus strand). VCF-style: chr1-226736215-G-T. GRCh37 (hg19) VCF-style: chr1-226923916-G-T.
Other names: c.1244C>A, p.Pro415His (NM_001388404.1); short protein forms P415H.
Identifiers: ClinVar variation 2637080 (VCV002637080.2), dbSNP rs768287698, ClinGen allele CA1423989.

ClinVar aggregate classification (germline): Uncertain significance. Review status: criteria provided, multiple submitters, no conflicts (2 of 4 stars). 2 submissions from 2 submitters: Uncertain significance (2). Last evaluated 2024-02-28.

Conditions:
ITPKB-related disorder. Also called: ITPKB-related condition.

Allele frequency attached by ClinVar (database versions not stated): TOPMed 0.00002.
gnomAD v4.1: 33 of 1,535,322 alleles (0.0021%); highest among the groups gnomAD compares: Non-Finnish European, 0.0025%; no homozygotes.

Submissions (2):

Ambry Genetics
Classification: Uncertain significance. Last evaluated: 2024-02-28. Review status: criteria provided, single submitter. Criteria: Ambry Variant Classification Scheme 2023. Collection method: clinical testing. Allele origin: germline.

PreventionGenetics, part of Exact Sciences
Classification: Uncertain significance for ITPKB-related condition. Last evaluated: 2022-09-22. Review status: criteria provided, single submitter. Criteria: ACMG Guidelines, 2015. Collection method: clinical testing. Allele origin: germline.
Comment: The ITPKB c.1244C>A variant is predicted to result in the amino acid substitution p.Pro415His. To our knowledge, this variant has not been reported in the literature. This variant is reported in 0.0023% of alleles in individuals of European (Non-Finnish) descent in gnomAD. At this time, the clinical significance of this variant is uncertain due to the absence of conclusive functional and genetic evidence.